The following is an entry in ClinVar:

ClinVar aggregate classification (germline): Uncertain significance. Review status: criteria provided, single submitter (1 of 4 stars). 2 submissions from 2 submitters: Uncertain significance (1). 1 of the submissions does not count toward it. Last evaluated 2021-12-08.

Conditions:
Charlevoix-Saguenay spastic ataxia (SACS). Also called: SPASTIC ATAXIA 6, AUTOSOMAL RECESSIVE; AUTOSOMAL RECESSIVE SPASTIC ATAXIA OF CHARLEVOIX-SAGUENAY; Spastic ataxia of Charlevoix-Saguenay. Identifiers: Orphanet 98, MedGen C1849140, MONDO:0010041, OMIM 270550.
Spastic paraplegia. Identifiers: MedGen C0037772, HP:0001258.

Submissions (2):

Labcorp Genetics (formerly Invitae), Labcorp
Classification: Uncertain significance for Spastic paraplegia. Last evaluated: 2021-12-08. Review status: criteria provided, single submitter. Criteria: Invitae Variant Classification Sherloc (09022015). Collection method: clinical testing. Allele origin: germline.
Comment: ClinVar contains an entry for this variant (Variation ID: 1059354). This missense change has been observed in individual(s) with clinical features of hereditary spastic paraplegia (Invitae). In at least one individual the data is consistent with being in trans (on the opposite chromosome) from a pathogenic variant. This variant is not present in population databases (gnomAD no frequency). This sequence change replaces serine, which is neutral and polar, with proline, which is neutral and non-polar, at codon 2406 of the SACS protein (p.Ser2406Pro). Advanced modeling of protein sequence and biophysical properties (such as structural, functional, and spatial information, amino acid conservation, physicochemical variation, residue mobility, and thermodynamic stability) performed at Invitae indicates that this missense variant is not expected to disrupt SACS protein function. In summary, the available evidence is currently insufficient to determine the role of this variant in disease. Therefore, it has been classified as a Variant of Uncertain Significance.

Natera, Inc.
Classification: Uncertain significance for Charlevoix-Saguenay type spastic ataxia. Last evaluated: 2025-02-21. Review status: no assertion criteria provided. Collection method: clinical testing. Allele origin: germline. Not counted in ClinVar's aggregate classification.

NM_014363.6(SACS):c.7216T>C (p.Ser2406Pro)

Gene: SACS (sacsin molecular chaperone; minus strand). Cytogenetic location: 13q12.12.
Variant type: single nucleotide variant.
Coding change: c.7216T>C on transcript NM_014363.6 (MANE Select); coding-DNA position 7216, T replaced by C.
Protein change: p.Ser2406Pro; replaces serine 2406 with proline.
Molecular consequence: missense variant.
Genome position (GRCh38, 1-based): chr13:23,336,660, A>G on the plus strand (T>C on the coding strand, the complement: SACS is on the minus strand). VCF-style: chr13-23336660-A-G. GRCh37 (hg19) VCF-style: chr13-23910799-A-G.
Other names: c.7216T>C (NM_014363.5); c.6775T>C, p.Ser2259Pro (NM_001278055.2); short protein forms S2259P, S2406P.
Identifiers: ClinVar variation 1059354 (VCV001059354.8), dbSNP rs2137602722, ClinGen allele CA387519789.